The following is an entry in ClinVar:

NM_000051.4(ATM):c.1904_1905del (p.His635fs)

Gene: ATM (ATM serine/threonine kinase; plus strand). Cytogenetic location: 11q22.3.
Variant type: Microsatellite.
Coding change: c.1904_1905del on transcript NM_000051.4 (MANE Select); coding-DNA positions 1904 to 1905, 2 bases deleted (AC; older notation c.1904_1905delAC).
Protein change: p.His635fs; shifts the reading frame from histidine 635.
Molecular consequence: frameshift variant.
Genome position (GRCh38, 1-based): chr11:108,253,819-108,253,820, AC deleted; deleting any 2 consecutive bases within chr11:108,253,817-108,253,820 gives the same sequence; the c. name uses the placement nearest the transcript's 3' end. VCF-style (leftmost placement, unchanged base first): chr11-108253816-AAC-A. GRCh37 (hg19) VCF-style: chr11-108124543-AAC-A.
Other names: c.1904_1905delAC (NM_000051.3); c.1902_1903AC[1], p.His635Profs (NM_000051.3); c.1904_1905del, p.His635fs (NM_001351834.2); short protein forms H635fs.
Identifiers: ClinVar variation 1782352 (VCV001782352.4), dbSNP rs2497308613, ClinGen allele CA2580616433.

ClinVar aggregate classification (germline): Pathogenic/Likely pathogenic. Review status: criteria provided, multiple submitters, no conflicts (2 of 4 stars). 3 submissions from 3 submitters: Pathogenic (2); Likely pathogenic (1). Last evaluated 2025-04-14.

Conditions:
Ataxia-telangiectasia syndrome (AT). Also called: LOUIS-BAR SYNDROME; Cerebello-oculocutaneous telangiectasia; Immunodeficiency with ataxia telangiectasia; Ataxia-telangiectasia, complementation group D; AT, COMPLEMENTATION GROUP C; ATAXIA-TELANGIECTASIA, COMPLEMENTATION GROUP A. Identifiers: Orphanet 100, MedGen C0004135, MONDO:0008840, OMIM 208900.
Hereditary cancer-predisposing syndrome. Also called: Tumor predisposition; Neoplastic Syndromes, Hereditary; Hereditary Cancer Syndrome; Hereditary neoplastic syndrome. Identifiers: Orphanet 140162, MedGen C0027672, MeSH D009386, MONDO:0015356.
Familial cancer of breast. Also called: BREAST CANCER, FAMILIAL; Hereditary breast cancer; hereditary breast carcinoma. Identifiers: Orphanet 227535, MedGen C0346153, MONDO:0016419, OMIM 114480. Disease mechanism: loss of function.

Submissions (3):

Labcorp Genetics (formerly Invitae), Labcorp
Classification: Pathogenic for Ataxia-telangiectasia syndrome. Last evaluated: 2025-04-14. Review status: criteria provided, single submitter. Criteria: Invitae Variant Classification Sherloc (09022015). Collection method: clinical testing. Allele origin: germline.
Comment: This sequence change creates a premature translational stop signal (p.His635Profs*5) in the ATM gene. It is expected to result in an absent or disrupted protein product. Loss-of-function variants in ATM are known to be pathogenic (PMID: 23807571, 25614872). This variant is not present in population databases (gnomAD no frequency). This variant has not been reported in the literature in individuals affected with ATM-related conditions. For these reasons, this variant has been classified as Pathogenic.

Laboratory for Molecular Medicine, Mass General Brigham Personalized Medicine
Classification: Likely pathogenic for Familial cancer of breast. Last evaluated: 2022-08-30. Review status: criteria provided, single submitter. Criteria: ACMG Guidelines, 2015. Collection method: clinical testing. Allele origin: germline.
Comment: The p.His635ProfsX5 variant in ATM has not been reported in individuals with disease and was absent from large population studies. This variant is predicted to cause a frameshift, which alters the protein’s amino acid sequence beginning at position 635 and leads to a premature termination codon 5 amino acids downstream. This alteration is then predicted to lead to a truncated or absent protein. Loss of function of the ATM gene is an established disease mechanism in autosomal dominant hereditary breast carcinoma. In summary, although additional studies are required to fully establish its clinical significance, this variant meets criteria to be classified as likely pathogenic for autosomal dominant hereditary breast carcinoma ACMG/AMP criteria applied: PM2_supporting, PVS1.

Ambry Genetics
Classification: Pathogenic for Hereditary cancer-predisposing syndrome. Last evaluated: 2022-04-08. Review status: criteria provided, single submitter. Criteria: Ambry Variant Classification Scheme 2023. Collection method: clinical testing. Allele origin: germline.
Comment: The c.1904_1905delAC pathogenic mutation, located in coding exon 12 of the ATM gene, results from a deletion of two nucleotides at nucleotide positions 1904 to 1905, causing a translational frameshift with a predicted alternate stop codon (p.H635Pfs*5). This variant is considered to be rare based on population cohorts in the Genome Aggregation Database (gnomAD). This alteration is expected to result in loss of function by premature protein truncation or nonsense-mediated mRNA decay. As such, this alteration is interpreted as a disease-causing mutation.

Literature cited by the submitters: PubMed 23807571 (cited by Labcorp Genetics (formerly Invitae), Labcorp); PubMed 25614872 (cited by Labcorp Genetics (formerly Invitae), Labcorp).